The following is an entry in ClinVar:

ClinVar aggregate classification (germline): Uncertain significance (1 of 4 stars; one submission).

Submission:

Labcorp Genetics (formerly Invitae), Labcorp
Classification: Uncertain significance. Last evaluated: 2024-05-08. Review status: criteria provided, single submitter. Criteria: Invitae Variant Classification Sherloc (09022015). Collection method: clinical testing. Allele origin: germline.
Comment: This sequence change falls in intron 17 of the POLE gene. It does not directly change the encoded amino acid sequence of the POLE protein. It affects a nucleotide within the consensus splice site. This variant is not present in population databases (gnomAD no frequency). This variant has not been reported in the literature in individuals affected with POLE-related conditions. Variants that disrupt the consensus splice site are a relatively common cause of aberrant splicing (PMID: 17576681, 9536098). Algorithms developed to predict the effect of sequence changes on RNA splicing suggest that this variant is not likely to affect RNA splicing. In summary, the available evidence is currently insufficient to determine the role of this variant in disease. Therefore, it has been classified as a Variant of Uncertain Significance.

Literature cited by the submitters: PubMed 17576681; PubMed 9536098.

NM_006231.4(POLE):c.1924-3C>T

Gene: POLE (DNA polymerase epsilon, catalytic subunit; minus strand). Cytogenetic location: 12q24.33.
Variant type: single nucleotide variant.
Coding change: c.1924-3C>T on transcript NM_006231.4 (MANE Select); 3 bases into the intron before coding-DNA position 1924, C replaced by T.
Molecular consequence: intron variant.
Genome position (GRCh38, 1-based): chr12:132,668,740, G>A on the plus strand (C>T on the coding strand, the complement: POLE is on the minus strand). VCF-style: chr12-132668740-G-A. GRCh37 (hg19) VCF-style: chr12-133245326-G-A.
Identifiers: ClinVar variation 3652617 (VCV003652617.2).